The following is an entry in ClinVar:

ClinVar aggregate classification (germline): Pathogenic (1 of 4 stars; one submission).

Conditions:
OPA1-related disorder. Also called: OPA1-related condition; OPA1-related disorders.

Submission:

PreventionGenetics, part of Exact Sciences
Classification: Pathogenic for OPA1-related condition. Last evaluated: 2023-10-10. Review status: criteria provided, single submitter. Criteria: ACMG Guidelines, 2015. Collection method: clinical testing. Allele origin: germline.
Comment: The OPA1 c.872T>G variant is predicted to result in premature protein termination (p.Leu291*). This variant can also be denoted as c.707T>G (p.Leu236*) in the other commonly used transcript NM_015560.3. To our knowledge, this variant has not been reported in the literature or in a large population database, indicating this variant is rare. Nonsense variants in OPA1 are expected to be pathogenic. Therefore we interpret c.872T>G (p.Leu291*) as pathogenic.

NM_130837.3(OPA1):c.872T>G (p.Leu291Ter)

Gene: OPA1 (OPA1 mitochondrial dynamin like GTPase; plus strand). Cytogenetic location: 3q29.
Variant type: single nucleotide variant.
Coding change: c.872T>G on transcript NM_130837.3 (MANE Select); coding-DNA position 872, T replaced by G.
Protein change: p.Leu291Ter; replaces leucine 291 with a stop codon.
Molecular consequence: nonsense.
Genome position (GRCh38, 1-based): chr3:193,635,446, T>G. VCF-style: chr3-193635446-T-G. GRCh37 (hg19) VCF-style: chr3-193353235-T-G.
Other names: c.338T>G, p.Leu113Ter (NM_001354663.2); c.335T>G, p.Leu112Ter (NM_001354664.2); c.707T>G, p.Leu236Ter (NM_015560.3); c.599T>G, p.Leu200Ter (NM_130831.3); c.653T>G, p.Leu218Ter (NM_130832.3); c.710T>G, p.Leu237Ter (NM_130833.3); c.761T>G, p.Leu254Ter (NM_130834.3); c.764T>G, p.Leu255Ter (NM_130835.3); and 1 more; short protein forms L112*, L113*, L200*, L218*, L236*, L237*, L254*, L255*.
Identifiers: ClinVar variation 2633910 (VCV002633910.1), dbSNP rs2474788771, ClinGen allele CA355787328.